The following is an entry in ClinVar:

NM_001845.6(COL4A1):c.2078G>A (p.Gly693Glu)

Gene: COL4A1 (collagen type IV alpha 1 chain; minus strand). Cytogenetic location: 13q34.
Variant type: single nucleotide variant.
Coding change: c.2078G>A on transcript NM_001845.6 (MANE Select); coding-DNA position 2078, G replaced by A.
Protein change: p.Gly693Glu; replaces glycine 693 with glutamic acid.
Molecular consequence: missense variant.
Genome position (GRCh38, 1-based): chr13:110,183,010, C>T on the plus strand (G>A on the coding strand, the complement: COL4A1 is on the minus strand). VCF-style: chr13-110183010-C-T. GRCh37 (hg19) VCF-style: chr13-110835357-C-T.
Other names: short protein forms G693E.
Identifiers: ClinVar variation 434810 (VCV000434810.8), dbSNP rs1555303720, ClinGen allele CA388669073.

ClinVar aggregate classification (germline): Likely pathogenic. Review status: criteria provided, multiple submitters, no conflicts (2 of 4 stars). 2 submissions from 2 submitters: Likely pathogenic (2). Last evaluated 2023-05-30.

Conditions:
Brain small vessel disease 1 with or without ocular anomalies (BSVD1). Also called: BRAIN SMALL VESSEL DISEASE WITH HEMORRHAGE; GOULD SYNDROME 1; PORENCEPHALY, TYPE 1, AUTOSOMAL DOMINANT; Brain small vessel disease with or without ocular anomalies. Identifiers: Orphanet 2940, Orphanet 36383, Orphanet 99810, MedGen C4755307, MONDO:0008289, OMIM 175780.
Autosomal dominant familial hematuria-retinal arteriolar tortuosity-contractures syndrome. Also called: Angiopathy, hereditary, with nephropathy, aneurysms, and muscle cramps; Hereditary Angiopathy with Nephropathy, Aneurysms, and Muscle Cramps (HANAC) Syndrome. Identifiers: Orphanet 73229, MedGen C2673195, MONDO:0012726, OMIM 611773.

Submissions (2):

Institute of Human Genetics, University of Leipzig Medical Center
Classification: Likely pathogenic for Autosomal dominant familial hematuria-retinal arteriolar tortuosity-contractures syndrome. Last evaluated: 2023-05-30. Review status: criteria provided, single submitter. Criteria: ACMG Guidelines, 2015. Collection method: clinical testing. Allele origin: unknown. Inheritance: Autosomal dominant inheritance. Affected: yes.
Comment: Criteria applied: PM1_STR,PS4_SUP,PM2_SUP,PP3

Genetic Services Laboratory, University of Chicago
Classification: Likely pathogenic for Porencephaly 1. Last evaluated: 2015-08-27. Review status: criteria provided, single submitter. Criteria: ACMG Guidelines, 2015. Collection method: clinical testing. Allele origin: germline. Affected: yes.